The following is an entry in ClinVar:

NM_001201427.2(DAAM2):c.2775C>T (p.Ser925=)

Gene: DAAM2 (dishevelled associated activator of morphogenesis 2; plus strand). Cytogenetic location: 6p21.2.
Variant type: single nucleotide variant.
Coding change: c.2775C>T on transcript NM_001201427.2 (MANE Select); coding-DNA position 2775, C replaced by T.
Protein change: p.Ser925=; no amino-acid change (serine 925 retained).
Molecular consequence: synonymous variant.
Genome position (GRCh38, 1-based): chr6:39,900,172, C>T. VCF-style: chr6-39900172-C-T. GRCh37 (hg19) VCF-style: chr6-39867948-C-T.
Other names: c.2772C>T, p.Ser924= (NM_015345.4).
Identifiers: ClinVar variation 3046442 (VCV003046442.2), dbSNP rs754385047, ClinGen allele CA3795401.

ClinVar aggregate classification (germline): Likely benign (0 of 4 stars; one submission).

Conditions:
DAAM2-related disorder. Also called: DAAM2-related condition.

Allele frequency attached by ClinVar (database versions not stated): ExAC 0.00001; gnomAD 0.00001; TOPMed 0.00002.
gnomAD v4.1: 16 of 1,607,778 alleles (0.001%); highest among the groups gnomAD compares: Admixed American, 0.0034%; no homozygotes.

Submission:

PreventionGenetics, part of Exact Sciences
Classification: Likely benign for DAAM2-related condition. Last evaluated: 2019-04-08. Review status: no assertion criteria provided. Collection method: clinical testing. Allele origin: germline.
Comment: This variant is classified as likely benign based on ACMG/AMP sequence variant interpretation guidelines (Richards et al. 2015 PMID: 25741868, with internal and published modifications).